The following is an entry in ClinVar:

NM_024721.5(ZFHX4):c.1224G>C (p.Leu408=)

Gene: ZFHX4 (zinc finger homeobox 4; plus strand). Cytogenetic location: 8q21.13.
Variant type: single nucleotide variant.
Coding change: c.1224G>C on transcript NM_024721.5 (MANE Select); coding-DNA position 1224, G replaced by C.
Protein change: p.Leu408=; no amino-acid change (leucine 408 retained).
Molecular consequence: synonymous variant.
Genome position (GRCh38, 1-based): chr8:76,705,312, G>C. VCF-style: chr8-76705312-G-C. GRCh37 (hg19) VCF-style: chr8-77617547-G-C.
Other names: c.1224G>C, p.Leu408= (NM_001410934.1).
Identifiers: ClinVar variation 3352827 (VCV003352827.1).

ClinVar aggregate classification (germline): Likely benign (0 of 4 stars; one submission).

Conditions:
ZFHX4-related disorder. Also called: ZFHX4-related condition.

gnomAD v4.1: 3 of 1,613,804 alleles (0.00019%); highest among the groups gnomAD compares: African/African-American, 0.004%; no homozygotes.

Submission:

PreventionGenetics, part of Exact Sciences
Classification: Likely benign for ZFHX4-related condition. Last evaluated: 2019-04-11. Review status: no assertion criteria provided. Collection method: clinical testing. Allele origin: germline.
Comment: This variant is classified as likely benign based on ACMG/AMP sequence variant interpretation guidelines (Richards et al. 2015 PMID: 25741868, with internal and published modifications).